The following is an entry in ClinVar:

ClinVar aggregate classification (germline): Uncertain significance (1 of 4 stars; one submission).

Conditions:
Immunodeficiency 132A. Also called: Herpes simplex encephalitis, susceptibility to, 3. Identifiers: Orphanet 1930, MedGen C3553868, MONDO:0013920, OMIM 614849.

gnomAD v4.1: 4 of 1,612,778 alleles (0.00025%); highest among the groups gnomAD compares: Non-Finnish European, 0.00034%; no homozygotes.

Submission:

Labcorp Genetics (formerly Invitae), Labcorp
Classification: Uncertain significance for Immunodeficiency 132A. Last evaluated: 2024-08-12. Review status: criteria provided, single submitter. Criteria: Invitae Variant Classification Sherloc (09022015). Collection method: clinical testing. Allele origin: germline.
Comment: This sequence change replaces histidine, which is basic and polar, with tyrosine, which is neutral and polar, at codon 206 of the TRAF3 protein (p.His206Tyr). This variant is present in population databases (rs757814134, gnomAD 0.002%). This variant has not been reported in the literature in individuals affected with TRAF3-related conditions. An algorithm developed to predict the effect of missense changes on protein structure and function (PolyPhen-2) suggests that this variant is likely to be tolerated. In summary, the available evidence is currently insufficient to determine the role of this variant in disease. Therefore, it has been classified as a Variant of Uncertain Significance.

NM_145725.3(TRAF3):c.616C>T (p.His206Tyr)

Genes: TRAF3 (TNF receptor associated factor 3; plus strand), LOC126862065 (BRD4-independent group 4 enhancer GRCh37_chr14:103352003-103353202; plus strand). Cytogenetic location: 14q32.32.
Variant type: single nucleotide variant.
Coding change: c.616C>T on transcript NM_145725.3 (MANE Select); coding-DNA position 616, C replaced by T.
Protein change: p.His206Tyr; replaces histidine 206 with tyrosine.
Molecular consequence: missense variant. On other transcripts: intron variant (2).
Genome position (GRCh38, 1-based): chr14:102,886,234, C>T. VCF-style: chr14-102886234-C-T. GRCh37 (hg19) VCF-style: chr14-103352571-C-T.
Other names: c.616C>T, p.His206Tyr (NM_001385142.1, NM_003300.4, NM_145726.3); c.571-3326C>T (NM_001385143.1); c.570+9709C>T (NM_001199427.2); short protein forms H206Y.
Identifiers: ClinVar variation 3700291 (VCV003700291.2).
Genomic context (GRCh38, chr14:102,886,234, plus strand): 5'-TTTCTCTCTCTGTAGAAACACGAAGACACCGACTGTCCCTGCGTGGTGGTGTCCTGCCCT[C>T]ACAAGTGCAGCGTCCAGACTCTCCTGAGGAGCGAGGTAGGGGCGGCCGGGCCCGGCCGGG-3'
Protein context (NP_663777.1, residues 196-216): DCPCVVVSCP[His206Tyr]KCSVQTLLRS